The following is an entry in ClinVar:

NM_001206927.2(DNAH8):c.11915dup (p.Asn3972fs)

Genes: DNAH8 (dynein axonemal heavy chain 8; plus strand), DNAH8-AS1 (DNAH8 antisense RNA 1; minus strand). Cytogenetic location: 6p21.2.
Variant type: Duplication.
Coding change: c.11915dup on transcript NM_001206927.2 (MANE Select); coding-DNA position 11915, one base duplicated (A; older notation c.11915dupA).
Protein change: p.Asn3972fs; shifts the reading frame from asparagine 3972.
Molecular consequence: frameshift variant.
Genome position (GRCh38, 1-based): chr6:38,938,896, A duplicated; the last of 4 consecutive A bases (chr6:38,938,893-38,938,896); duplicating any one gives the same sequence. VCF-style (leftmost placement, unchanged base first): chr6-38938892-G-GA. GRCh37 (hg19) VCF-style: chr6-38906668-G-GA.
Other names: c.11264dup, p.Asn3755fs (NM_001371.4); short protein forms N3755fs, N3972fs.
Identifiers: ClinVar variation 3693052 (VCV003693052.2).

ClinVar aggregate classification (germline): Pathogenic (1 of 4 stars; one submission).

Conditions:
Primary ciliary dyskinesia. Also called: Ciliary dyskinesia. Identifiers: Orphanet 244, MedGen C0008780, MONDO:0016575, HP:0012265.

Submission:

Labcorp Genetics (formerly Invitae), Labcorp
Classification: Pathogenic for Primary ciliary dyskinesia. Last evaluated: 2024-02-14. Review status: criteria provided, single submitter. Criteria: Invitae Variant Classification Sherloc (09022015). Collection method: clinical testing. Allele origin: germline.
Comment: This sequence change creates a premature translational stop signal (p.Asn3972Lysfs*15) in the DNAH8 gene. It is expected to result in an absent or disrupted protein product. Loss-of-function variants in DNAH8 are known to be pathogenic (PMID: 24307375, 32619401, 32681648). This variant is present in population databases (no rsID available, gnomAD 0.0009%). This variant has not been reported in the literature in individuals affected with DNAH8-related conditions. For these reasons, this variant has been classified as Pathogenic.

Literature cited by the submitters: PubMed 24307375; PubMed 32619401; PubMed 32681648.